The following is an entry in ClinVar:

NM_014845.6(FIG4):c.2377-5C>T

Gene: FIG4 (FIG4 phosphoinositide 5-phosphatase; plus strand). Cytogenetic location: 6q21.
Variant type: single nucleotide variant.
Coding change: c.2377-5C>T on transcript NM_014845.6 (MANE Select); 5 bases into the intron before coding-DNA position 2377, C replaced by T.
Molecular consequence: intron variant.
Genome position (GRCh38, 1-based): chr6:109,792,577, C>T. VCF-style: chr6-109792577-C-T. GRCh37 (hg19) VCF-style: chr6-110113780-C-T.
Identifiers: ClinVar variation 2285232 (VCV002285232.4), dbSNP rs2486234005, ClinGen allele CA2580075007.

ClinVar aggregate classification (germline): Conflicting classifications of pathogenicity. Review status: criteria provided, conflicting classifications (1 of 4 stars). 2 submissions from 2 submitters: Uncertain significance (1); Likely benign (1). Last evaluated 2024-03-21.

Conditions:
Inborn genetic diseases. Identifiers: MedGen C0950123, MeSH D030342.
Charcot-Marie-Tooth disease type 4. Also called: Charcot-Marie-Tooth, Type 4; Charcot-Marie-Tooth disease, type IV. Identifiers: Orphanet 64749, MedGen C4082197, MONDO:0018995.

Submissions (2):

Labcorp Genetics (formerly Invitae), Labcorp
Classification: Likely benign for Charcot-Marie-Tooth disease type 4. Last evaluated: 2024-03-21. Review status: criteria provided, single submitter. Criteria: Invitae Variant Classification Sherloc (09022015). Collection method: clinical testing. Allele origin: germline.

Ambry Genetics
Classification: Uncertain significance for Inborn genetic diseases. Last evaluated: 2022-05-25. Review status: criteria provided, single submitter. Criteria: Ambry Variant Classification Scheme 2023. Collection method: clinical testing. Allele origin: germline.
Comment: The c.2377-5C>T intronic alteration consists of a C to T substitution 5 nucleotides before exon 21 of the FIG4 gene. Based on insufficient or conflicting evidence, the clinical significance of this alteration remains unclear.